The following is an entry in ClinVar:

NM_006205.3(PDE6H):c.214C>A (p.Leu72Met)

Gene: PDE6H (phosphodiesterase 6H; plus strand). Cytogenetic location: 12p12.3.
Variant type: single nucleotide variant.
Coding change: c.214C>A on transcript NM_006205.3 (MANE Select); coding-DNA position 214, C replaced by A.
Protein change: p.Leu72Met; replaces leucine 72 with methionine.
Molecular consequence: missense variant.
Genome position (GRCh38, 1-based): chr12:14,981,438, C>A. VCF-style: chr12-14981438-C-A. GRCh37 (hg19) VCF-style: chr12-15134372-C-A.
Other names: short protein forms L72M.
Identifiers: ClinVar variation 964136 (VCV000964136.8), dbSNP rs200270994, ClinGen allele CA6465910.

ClinVar aggregate classification (germline): Uncertain significance. Review status: criteria provided, multiple submitters, no conflicts (2 of 4 stars). 2 submissions from 2 submitters: Uncertain significance (2). Last evaluated 2023-09-14.

Allele frequency attached by ClinVar (database versions not stated): gnomAD 0.00003; TOPMed 0.00005; ExAC 0.00012; gnomAD exomes 0.00014; 1000 Genomes Project 0.00020; 1000 Genomes Project 30x 0.00031.
gnomAD v4.1: 39 of 1,613,574 alleles (0.0024%); highest among the groups gnomAD compares: East Asian, 0.085%; 1 homozygote.

Submissions (2):

Blueprint Genetics
Classification: Uncertain significance. Last evaluated: 2023-09-14. Review status: criteria provided, single submitter. Criteria: ACMG Guidelines, 2015. Collection method: clinical testing. Allele origin: germline.

Labcorp Genetics (formerly Invitae), Labcorp
Classification: Uncertain significance. Last evaluated: 2022-07-31. Review status: criteria provided, single submitter. Criteria: Invitae Variant Classification Sherloc (09022015). Collection method: clinical testing. Allele origin: germline.
Comment: This sequence change replaces leucine, which is neutral and non-polar, with methionine, which is neutral and non-polar, at codon 72 of the PDE6H protein (p.Leu72Met). This variant is present in population databases (rs200270994, gnomAD 0.2%). This variant has not been reported in the literature in individuals affected with PDE6H-related conditions. ClinVar contains an entry for this variant (Variation ID: 964136). Algorithms developed to predict the effect of missense changes on protein structure and function are either unavailable or do not agree on the potential impact of this missense change (SIFT: "Tolerated"; PolyPhen-2: "Probably Damaging"; Align-GVGD: "Class C0"). In summary, the available evidence is currently insufficient to determine the role of this variant in disease. Therefore, it has been classified as a Variant of Uncertain Significance.